The following is an entry in ClinVar:

ClinVar aggregate classification (germline): Likely pathogenic (1 of 4 stars; one submission).

Submission:

GeneDx
Classification: Likely pathogenic. Last evaluated: 2025-12-15. Review status: criteria provided, single submitter. Criteria: GeneDx Variant Classification Process June 2021. Collection method: clinical testing. Allele origin: germline.
Comment: Not observed at significant frequency in large population cohorts (gnomAD); In silico analysis supports that this missense variant has a deleterious effect on protein structure/function; In silico analysis is inconclusive as to whether the variant alters gene splicing. In the absence of RNA/functional studies, the actual effect of this sequence change is unknown.; Has not been previously published as pathogenic or benign to our knowledge

NM_000284.4(PDHA1):c.526G>A (p.Gly176Arg)

Gene: PDHA1 (pyruvate dehydrogenase E1 subunit alpha 1; plus strand). Cytogenetic location: Xp22.12.
Variant type: single nucleotide variant.
Coding change: c.526G>A on transcript NM_000284.4 (MANE Select); coding-DNA position 526, G replaced by A.
Protein change: p.Gly176Arg; replaces glycine 176 with arginine.
Molecular consequence: missense variant. On other transcripts: intron variant (1).
Genome position (GRCh38, 1-based): chrX:19,354,506, G>A. VCF-style: chrX-19354506-G-A. GRCh37 (hg19) VCF-style: chrX-19372624-G-A.
Other names: c.640G>A, p.Gly214Arg (NM_001173454.2); c.547G>A, p.Gly183Arg (NM_001173455.2); c.511-843G>A (NM_001173456.2); short protein forms G176R, G183R, G214R.
Identifiers: ClinVar variation 3368110 (VCV003368110.2).